The following is an entry in ClinVar:

NM_033409.4(SLC52A3):c.1205C>G (p.Ser402Trp)

Gene: SLC52A3 (solute carrier family 52 member 3; minus strand). Cytogenetic location: 20p13.
Variant type: single nucleotide variant.
Coding change: c.1205C>G on transcript NM_033409.4 (MANE Select); coding-DNA position 1205, C replaced by G.
Protein change: p.Ser402Trp; replaces serine 402 with tryptophan.
Molecular consequence: missense variant.
Genome position (GRCh38, 1-based): chr20:761,231, G>C on the plus strand (C>G on the coding strand, the complement: SLC52A3 is on the minus strand). VCF-style: chr20-761231-G-C. GRCh37 (hg19) VCF-style: chr20-741875-G-C.
Other names: c.1205C>G, p.Ser402Trp (NM_001370085.1, NM_001370086.1); short protein forms S402W.
Identifiers: ClinVar variation 1748588 (VCV001748588.2), dbSNP rs2514843824, ClinGen allele CA407962122.

ClinVar aggregate classification (germline): Uncertain significance (1 of 4 stars; one submission).

Conditions:
Inborn genetic diseases. Identifiers: MedGen C0950123, MeSH D030342.

Submission:

Ambry Genetics
Classification: Uncertain significance for Inborn genetic diseases. Last evaluated: 2020-10-22. Review status: criteria provided, single submitter. Criteria: Ambry Variant Classification Scheme 2023. Collection method: clinical testing. Allele origin: germline.
Comment: The p.S402W variant (also known as c.1205C>G), located in coding exon 4 of the SLC52A3 gene, results from a C to G substitution at nucleotide position 1205. The serine at codon 402 is replaced by tryptophan, an amino acid with highly dissimilar properties. This amino acid position is highly conserved in available vertebrate species. In addition, this alteration is predicted to be deleterious by in silico analysis. Since supporting evidence is limited at this time, the clinical significance of this alteration remains unclear.